The following is an entry in ClinVar:

NM_000540.3(RYR1):c.92A>G (p.Gln31Arg)

Gene: RYR1 (ryanodine receptor 1; plus strand). Cytogenetic location: 19q13.2.
Variant type: single nucleotide variant.
Coding change: c.92A>G on transcript NM_000540.3 (MANE Select); coding-DNA position 92, A replaced by G.
Protein change: p.Gln31Arg; replaces glutamine 31 with arginine.
Molecular consequence: missense variant.
Genome position (GRCh38, 1-based): chr19:38,440,791, A>G. VCF-style: chr19-38440791-A-G. GRCh37 (hg19) VCF-style: chr19-38931431-A-G.
Other names: c.92A>G, p.Gln31Arg (NM_001042723.2); short protein forms Q31R.
Identifiers: ClinVar variation 3074235 (VCV003074235.1), dbSNP rs2513956576, ClinGen allele CA405671688.
Genomic context (GRCh38, chr19:38,440,791, plus strand): 5'-CCTCGGTTCCGCAGGACGATGAGGTGGTCCTGCAGTGCAGCGCTACCGTGCTCAAGGAGC[A>G]GCTCAAGCTCTGCCTGGCCGCCGAGGGCTTCGGCAACCGCCTGTGCTTCCTGGAGCCCAC-3'
Protein context (NP_000531.2, residues 21-41): LQCSATVLKE[Gln31Arg]LKLCLAAEGF

ClinVar aggregate classification (germline): Uncertain significance (1 of 4 stars; one submission).

Conditions:
Malignant hyperthermia, susceptibility to, 1 (MHS1). Also called: Anesthesia related hyperthermia; Malignant hyperpyrexia; Fulminating hyperpyrexia; Pharmacogenic myopathy; RYR1-Related Malignant Hyperthermia Susceptibility; Malignant hyperthermia suceptibility 1. Identifiers: Orphanet 423, MedGen C2930980, MONDO:0007783, OMIM 145600.

Submission:

All of Us Research Program, National Institutes of Health
Classification: Uncertain significance for Malignant hyperthermia, susceptibility to, 1. Last evaluated: 2023-11-02. Review status: criteria provided, single submitter. Criteria: ACMG Guidelines, 2015. Collection method: clinical testing. Allele origin: germline. Inheritance: Autosomal dominant inheritance. Observed: 1 variant allele, 1 heterozygote.
Comment: This missense variant replaces glutamine with arginine at codon 31 of the RYR1 protein. Computational prediction is inconclusive regarding the impact of this variant on protein structure and function (internally defined REVEL score threshold 0.5 < inconclusive < 0.7, PMID: 27666373). To our knowledge, functional studies have not been reported for this variant. This variant has not been reported in individuals affected with RYR1-related disorders in the literature. This variant has not been identified in the general population by the Genome Aggregation Database (gnomAD). The available evidence is insufficient to determine the role of this variant in disease conclusively. Therefore, this variant is classified as a Variant of Uncertain Significance.

This study involves interpretation of variants in research participants for the purpose of population health screening. Participant phenotype was not available at the time of variant classification. Additional details can be found in publication PMID: 35346344, PMCID: PMC8962531